The following is an entry in ClinVar:

ClinVar aggregate classification (germline): Uncertain significance. Review status: criteria provided, multiple submitters, no conflicts (2 of 4 stars). 3 submissions from 3 submitters: Uncertain significance (3). Last evaluated 2025-04-09.

Conditions:
Hereditary cancer-predisposing syndrome. Also called: Tumor predisposition; Neoplastic Syndromes, Hereditary; Hereditary Cancer Syndrome; Hereditary neoplastic syndrome. Identifiers: Orphanet 140162, MedGen C0027672, MeSH D009386, MONDO:0015356.
Chuvash polycythemia. Also called: POLYCYTHEMIA, VHL-DEPENDENT. Identifiers: Orphanet 238557, MedGen C1837915, MONDO:0009892, OMIM 263400.
Von Hippel-Lindau syndrome (VHLS). Also called: Von Hippel-Lindau; von Hippel–Lindau syndrome; VHL syndrome. Identifiers: Orphanet 892, MedGen C0019562, MONDO:0008667, OMIM 193300. Disease mechanism: loss of function.

Submissions (3):

Ambry Genetics
Classification: Uncertain significance for Hereditary cancer-predisposing syndrome. Last evaluated: 2025-04-09. Review status: criteria provided, single submitter. Criteria: Ambry Variant Classification Scheme 2023. Collection method: clinical testing. Allele origin: germline.
Comment: The p.A122S variant (also known as c.364G>T), located in coding exon 2 of the VHL gene, results from a G to T substitution at nucleotide position 364. The alanine at codon 122 is replaced by serine, an amino acid with similar properties. This variant was determined to be functionally deleterious in one saturation genome editing assay (Buckley M et al. Nat Genet, 2024 Jul;56:1446-1455). This amino acid position is highly conserved in available vertebrate species. In addition, the in silico prediction for this alteration is inconclusive. Based on the available evidence, the clinical significance of this variant remains unclear.

Labcorp Genetics (formerly Invitae), Labcorp
Classification: Uncertain significance for Von Hippel-Lindau syndrome; Chuvash polycythemia. Last evaluated: 2024-02-12. Review status: criteria provided, single submitter. Criteria: Invitae Variant Classification Sherloc (09022015). Collection method: clinical testing. Allele origin: germline.
Comment: This sequence change replaces alanine, which is neutral and non-polar, with serine, which is neutral and polar, at codon 122 of the VHL protein (p.Ala122Ser). This variant is not present in population databases (gnomAD no frequency). This variant has not been reported in the literature in individuals affected with VHL-related conditions. ClinVar contains an entry for this variant (Variation ID: 418539). Advanced modeling of protein sequence and biophysical properties (such as structural, functional, and spatial information, amino acid conservation, physicochemical variation, residue mobility, and thermodynamic stability) performed at Invitae indicates that this missense variant is expected to disrupt VHL protein function with a positive predictive value of 95%. In summary, the available evidence is currently insufficient to determine the role of this variant in disease. Therefore, it has been classified as a Variant of Uncertain Significance.

GeneDx
Classification: Uncertain significance. Last evaluated: 2014-10-14. Review status: criteria provided, single submitter. Criteria: GeneDx Variant Classification (06012015). Collection method: clinical testing. Allele origin: germline. Affected: yes.
Comment: This variant is denoted VHL c.364G>T at the cDNA level, p.Ala122Ser (A122S) at the protein level, and results in the change of an Alanine to a Serine (GCA>TCA). This variant has not, to our knowledge, been published in the literature as pathogenic or benign. VHL Ala122Ser was not observed in approximately 6,500 individuals of European and African American ancestry in the NHLBI Exome Sequencing Project, indicating it is not a common benign variant in these populations. Since Alanine and Serine differ in polarity, charge, size or other properties, this is considered a non-conservative amino acid substitution. VHL Ala122Ser occurs at a position that is conserved across species and is located in the beta domain (Yuen 2009). In silico analyses predict that this variant is probably damaging to protein structure and function. Based on currently available information, it is unclear whether VHL Ala122Ser is pathogenic or benign. We consider it to be a variant of uncertain significance.

Literature cited by the submitters: PubMed 38969834 (cited by Ambry Genetics).

NM_000551.4(VHL):c.364G>T (p.Ala122Ser)

Genes: VHL (von Hippel-Lindau tumor suppressor; plus strand), LOC107303340 (3p25 von Hippel-Lindau tumor suppressor, E3 ubiquitin protein ligase Alu-mediated recombination region; plus strand). Cytogenetic location: 3p25.3.
Variant type: single nucleotide variant.
Coding change: c.364G>T on transcript NM_000551.4 (MANE Select); coding-DNA position 364, G replaced by T.
Protein change: p.Ala122Ser; replaces alanine 122 with serine.
Molecular consequence: missense variant. On other transcripts: intron variant (2).
Genome position (GRCh38, 1-based): chr3:10,146,537, G>T. VCF-style: chr3-10146537-G-T. GRCh37 (hg19) VCF-style: chr3-10188221-G-T.
Other names: c.*18-3250G>T (NM_001354723.2); c.341-3250G>T (NM_198156.3); short protein forms A122S.
Identifiers: ClinVar variation 418539 (VCV000418539.13), dbSNP rs1064793291, ClinGen allele CA16617788.